The following is an entry in ClinVar:

NC_000016.9:g.(?_150360)_(150517_?)del

Gene: NPRL3 (NPR3 like, GATOR1 complex subunit; minus strand). Cytogenetic location: 16p13.3.
Variant type: Deletion.
Identifiers: ClinVar variation 1072233 (VCV001072233.1).

ClinVar aggregate classification (germline): Pathogenic (1 of 4 stars; one submission).

Conditions:
Epilepsy, familial focal, with variable foci 3 (FFEVF3). Identifiers: MedGen C4310708, MONDO:0014925, OMIM 617118.

Submission:

Labcorp Genetics (formerly Invitae), Labcorp
Classification: Pathogenic for Epilepsy, familial focal, with variable foci 3. Last evaluated: 2020-10-28. Review status: criteria provided, single submitter. Criteria: Invitae Variant Classification Sherloc (09022015). Collection method: clinical testing. Allele origin: germline.
Comment: This variant is an in-frame deletion of the genomic region encompassing exon 8 of the NPRL3 gene. It preserves the integrity of the reading frame. Deletion of exon 8 has been observed in individual(s) with clinical features of familial focal epilepsy with variable foci (FFEVF) (Invitae). It has also been observed to segregate with disease in related individuals. For these reasons, this variant has been classified as Pathogenic.